The following is an entry in ClinVar:

ClinVar aggregate classification (germline): Uncertain significance (1 of 4 stars; one submission).

Conditions:
Emery-Dreifuss muscular dystrophy 5, autosomal dominant (EDMD5). Also called: EMERY-DREIFUSS MUSCULAR DYSTROPHY 5. Identifiers: Orphanet 261, MedGen C2751805, MONDO:0013072, OMIM 612999.

Allele frequency attached by ClinVar (database versions not stated): gnomAD exomes below 0.00001; ExAC 0.00001.
gnomAD v4.1: 2 of 1,614,126 alleles (0.00012%); highest among the groups gnomAD compares: African/African-American, 0.0013%; no homozygotes.

Submission:

Labcorp Genetics (formerly Invitae), Labcorp
Classification: Uncertain significance for Emery-Dreifuss muscular dystrophy 5, autosomal dominant. Last evaluated: 2025-03-07. Review status: criteria provided, single submitter. Criteria: Invitae Variant Classification Sherloc (09022015). Collection method: clinical testing. Allele origin: germline.
Comment: This sequence change replaces leucine, which is neutral and non-polar, with phenylalanine, which is neutral and non-polar, at codon 2505 of the SYNE2 protein (p.Leu2505Phe). This variant is not present in population databases (gnomAD no frequency). This variant has not been reported in the literature in individuals affected with SYNE2-related conditions. ClinVar contains an entry for this variant (Variation ID: 1379828). An algorithm developed to predict the effect of missense changes on protein structure and function (PolyPhen-2) suggests that this variant is likely to be disruptive. In summary, the available evidence is currently insufficient to determine the role of this variant in disease. Therefore, it has been classified as a Variant of Uncertain Significance.

NM_182914.3(SYNE2):c.7513C>T (p.Leu2505Phe)

Gene: SYNE2 (spectrin repeat containing nuclear envelope protein 2; plus strand). Cytogenetic location: 14q23.2.
Variant type: single nucleotide variant.
Coding change: c.7513C>T on transcript NM_182914.3 (MANE Select); coding-DNA position 7513, C replaced by T.
Protein change: p.Leu2505Phe; replaces leucine 2505 with phenylalanine.
Molecular consequence: missense variant.
Genome position (GRCh38, 1-based): chr14:64,049,746, C>T. VCF-style: chr14-64049746-C-T. GRCh37 (hg19) VCF-style: chr14-64516464-C-T.
Other names: c.7513C>T, p.Leu2505Phe (NM_015180.6); short protein forms L2505F.
Identifiers: ClinVar variation 1379828 (VCV001379828.6), dbSNP rs749522550, ClinGen allele CA7220957.
Genomic context (GRCh38, chr14:64,049,746, plus strand): 5'-GAAACTGGGGCCTTGGTTCTCCACAATATAGGATATTCGGCACAGCATTTGGACAATTTG[C>T]TTCAGGCACTTATTACTTTGAAGAAAAACAAAGAAAGCCAATATTGTGTCCTCAGAGATT-3'
Protein context (NP_878918.2, residues 2495-2515): GYSAQHLDNL[Leu2505Phe]QALITLKKNK